The following is an entry in ClinVar:

NM_001127222.2(CACNA1A):c.5940+12G>A

Gene: CACNA1A (calcium voltage-gated channel subunit alpha1 A; minus strand). Cytogenetic location: 19p13.13.
Variant type: single nucleotide variant.
Coding change: c.5940+12G>A on transcript NM_001127222.2 (MANE Select); 12 bases into the intron after coding-DNA position 5940, G replaced by A.
Molecular consequence: intron variant.
Genome position (GRCh38, 1-based): chr19:13,214,221, C>T on the plus strand (G>A on the coding strand, the complement: CACNA1A is on the minus strand). VCF-style: chr19-13214221-C-T. GRCh37 (hg19) VCF-style: chr19-13325035-C-T.
Other names: c.5943+12G>A (NM_001127221.2); c.5949+12G>A (NM_001174080.2); c.5958+12G>A (NM_000068.4, NM_023035.3).
Identifiers: ClinVar variation 390753 (VCV000390753.10), dbSNP rs780841537, ClinGen allele CA9239536.

ClinVar aggregate classification (germline): Likely benign. Review status: criteria provided, multiple submitters, no conflicts (2 of 4 stars). 3 submissions from 3 submitters: Likely benign (3). Last evaluated 2026-01-28.

Conditions:
Episodic ataxia type 2 (EA2). Also called: ACETAZOLAMIDE-RESPONSIVE HEREDITARY PAROXYSMAL CEREBELLAR ATAXIA; ATAXIA, EPISODIC, WITH NYSTAGMUS; ATAXIA, FAMILIAL PAROXYSMAL; CEREBELLAR ATAXIA, PAROXYSMAL, ACETAZOLAMIDE-RESPONSIVE; CEREBELLOPATHY, HEREDITARY PAROXYSMAL; EPISODIC ATAXIA, NYSTAGMUS-ASSOCIATED. Identifiers: Orphanet 97, MedGen C1720416, MONDO:0007163, OMIM 108500.
Developmental and epileptic encephalopathy, 42 (DEE42A). Also called: Epileptic encephalopathy, early infantile, 42; DEVELOPMENTAL AND EPILEPTIC ENCEPHALOPATHY 42A; EPILEPTIC ENCEPHALOPATHY, EARLY INFANTILE, 42A. Identifiers: MedGen C4310716, MONDO:0014917, OMIM 617106.

Allele frequency attached by ClinVar (database versions not stated): gnomAD exomes 0.00003 and 0.00006; ExAC 0.00005; gnomAD 0.00005 and 0.00006; TOPMed 0.00015.
gnomAD v4.1: 88 of 1,599,064 alleles (0.0055%); highest among the groups gnomAD compares: Admixed American, 0.017%; no homozygotes.

Submissions (3):

Labcorp Genetics (formerly Invitae), Labcorp
Classification: Likely benign for Developmental and epileptic encephalopathy, 42; Episodic ataxia type 2. Last evaluated: 2026-01-28. Review status: criteria provided, single submitter. Criteria: Invitae Variant Classification Sherloc (09022015). Collection method: clinical testing. Allele origin: germline.

Blueprint Genetics
Classification: Likely benign. Last evaluated: 2024-06-19. Review status: criteria provided, single submitter. Criteria: ACMG Guidelines, 2015. Collection method: clinical testing. Allele origin: germline.

GeneDx
Classification: Likely benign. Last evaluated: 2017-07-25. Review status: criteria provided, single submitter. Criteria: GeneDx Variant Classification (06012015). Collection method: clinical testing. Allele origin: germline. Affected: yes.
Comment: This variant is considered likely benign or benign based on one or more of the following criteria: it is a conservative change, it occurs at a poorly conserved position in the protein, it is predicted to be benign by multiple in silico algorithms, and/or has population frequency not consistent with disease.